The following is an entry in ClinVar:

ClinVar aggregate classification (germline): Uncertain significance (1 of 4 stars; one submission).

Submission:

Ambry Genetics
Classification: Uncertain significance. Last evaluated: 2024-11-10. Review status: criteria provided, single submitter. Criteria: Ambry Variant Classification Scheme 2023. Collection method: clinical testing. Allele origin: germline.
Comment: The p.A678T variant (also known as c.2032G>A), located in coding exon 14 of the MYOM1 gene, results from a G to A substitution at nucleotide position 2032. The alanine at codon 678 is replaced by threonine, an amino acid with similar properties. This amino acid position is conserved. In addition, this alteration is predicted to be tolerated by in silico analysis. Based on the available evidence, the clinical significance of this variant remains unclear.

NM_003803.4(MYOM1):c.2032G>A (p.Ala678Thr)

Gene: MYOM1 (myomesin 1; minus strand). Cytogenetic location: 18p11.31.
Variant type: single nucleotide variant.
Coding change: c.2032G>A on transcript NM_003803.4 (MANE Select); coding-DNA position 2032, G replaced by A.
Protein change: p.Ala678Thr; replaces alanine 678 with threonine.
Molecular consequence: missense variant.
Genome position (GRCh38, 1-based): chr18:3,135,724, C>T on the plus strand (G>A on the coding strand, the complement: MYOM1 is on the minus strand). VCF-style: chr18-3135724-C-T. GRCh37 (hg19) VCF-style: chr18-3135722-C-T.
Other names: c.2032G>A, p.Ala678Thr (NM_019856.2); short protein forms A678T.
Identifiers: ClinVar variation 3401863 (VCV003401863.1).
Genomic context (GRCh38, chr18:3,135,724, plus strand): 5'-CAAAGCGGGGAGACTTCACAGGGAGCTCCGTGTTCACTCGCTGCCAGTTTTCTGTTCCTG[C>T]CTCACACTGCAGCAAGAACAGGGAAACCCATTGAAAGCACAGCAAACACAAGCGAGAATC-3'
Protein context (NP_003794.3, residues 668-688): GIMYFVEKCE[Ala678Thr]GTENWQRVNT